The following is an entry in ClinVar:

ClinVar aggregate classification (germline): Benign. Review status: criteria provided, multiple submitters, no conflicts (2 of 4 stars). 2 submissions from 2 submitters: Benign (2). Last evaluated 2018-01-13.

Conditions:
MAPT-Related Spectrum Disorders.

Allele frequency attached by ClinVar (database versions not stated): 1000 Genomes Project 30x 0.08526; gnomAD exomes 0.22727; gnomAD 0.14499 and 0.14219; TOPMed 0.14811; 1000 Genomes Project 0.08606.

Submissions (2):

Illumina Laboratory Services, Illumina
Classification: Benign for MAPT-Related Spectrum Disorders. Last evaluated: 2018-01-13. Review status: criteria provided, single submitter. Criteria: ICSL Variant Classification Criteria 13 December 2019. Collection method: clinical testing. Allele origin: germline.
Comment: This variant was observed in the ICSL laboratory as part of a predisposition screen in an ostensibly healthy population. It had not been previously curated by ICSL or reported in the Human Gene Mutation Database (HGMD: prior to June 1st, 2018), and was therefore a candidate for classification through an automated scoring system. Utilizing variant allele frequency, disease prevalence and penetrance estimates, and inheritance mode, an automated score was calculated to assess if this variant is too frequent to cause the disease. Based on the score and internal cut-off values, a variant classified as benign is not then subjected to further curation. The score for this variant resulted in a classification of benign for this disease.

Breakthrough Genomics
Classification: Benign. Review status: criteria provided, single submitter. Criteria: ACMG Guidelines, 2015. Collection method: not provided. Allele origin: germline. Inheritance: Autosomal recessive inheritance. Affected: yes.

NM_005910.5(MAPT):c.-285A>G

Genes: MAPT (microtubule associated protein tau), MAPT-AS1 (MAPT antisense RNA 1). Cytogenetic location: 17q21.31.
Variant type: single nucleotide variant.
Coding change: c.-285A>G on transcript NM_005910.5; 285 bases upstream of the start codon, A replaced by G.
Genome position (GRCh38, 1-based): chr17:45,894,419, A>G. VCF-style: chr17-45894419-A-G. GRCh37 (hg19) VCF-style: chr17-43971785-A-G.
Identifiers: ClinVar variation 323634 (VCV000323634.8), dbSNP rs11575895, ClinGen allele CA10639851.